The following is an entry in ClinVar:

ClinVar aggregate classification (germline): Likely pathogenic (1 of 4 stars; one submission).

Conditions:
Spastic paraplegia. Identifiers: MedGen C0037772, HP:0001258.

Submission:

Labcorp Genetics (formerly Invitae), Labcorp
Classification: Likely pathogenic for Spastic paraplegia. Last evaluated: 2020-12-18. Review status: criteria provided, single submitter. Criteria: Invitae Variant Classification Sherloc (09022015). Collection method: clinical testing. Allele origin: germline.
Comment: In summary, the currently available evidence indicates that the variant is pathogenic, but additional data are needed to prove that conclusively. Therefore, this variant has been classified as Likely Pathogenic. Algorithms developed to predict the effect of sequence changes on RNA splicing suggest that this variant may disrupt the consensus splice site, but this prediction has not been confirmed by published transcriptional studies. This variant has not been reported in the literature in individuals with L1CAM-related conditions. This variant is not present in population databases (ExAC no frequency). This sequence change affects a donor splice site in intron 13 of the L1CAM gene. It is expected to disrupt RNA splicing. Variants that disrupt the donor or acceptor splice site typically lead to a loss of protein function (PMID: 16199547), and loss-of-function variants in L1CAM are known to be pathogenic (PMID: 19846429).

Literature cited by the submitters: PubMed 16199547; PubMed 19846429.

NM_001278116.2(L1CAM):c.1703+1G>A

Gene: L1CAM (L1 cell adhesion molecule; minus strand). Cytogenetic location: Xq28.
Variant type: single nucleotide variant.
Coding change: c.1703+1G>A on transcript NM_001278116.2 (MANE Select); the canonical splice donor site of the intron after coding-DNA position 1703, G replaced by A.
Molecular consequence: splice donor variant.
Genome position (GRCh38, 1-based): chrX:153,868,301, C>T on the plus strand (G>A on the coding strand, the complement: L1CAM is on the minus strand). VCF-style: chrX-153868301-C-T. GRCh37 (hg19) VCF-style: chrX-153133756-C-T.
Other names: c.1688+1G>A (NM_001143963.2); c.1703+1G>A (NM_024003.3, NM_000425.5).
Identifiers: ClinVar variation 1523102 (VCV001523102.8), dbSNP rs2148496455, ClinGen allele CA415124353.